The following is an entry in ClinVar:

NM_000733.4(CD3E):c.103C>T (p.Pro35Ser)

Gene: CD3E (CD3 epsilon subunit of T-cell receptor complex; plus strand). Cytogenetic location: 11q23.3.
Variant type: single nucleotide variant.
Coding change: c.103C>T on transcript NM_000733.4 (MANE Select); coding-DNA position 103, C replaced by T.
Protein change: p.Pro35Ser; replaces proline 35 with serine.
Molecular consequence: missense variant.
Genome position (GRCh38, 1-based): chr11:118,312,170, C>T. VCF-style: chr11-118312170-C-T. GRCh37 (hg19) VCF-style: chr11-118182885-C-T.
Other names: short protein forms P35S.
Identifiers: ClinVar variation 302661 (VCV000302661.41), dbSNP rs143949187, ClinGen allele CA6301611.
Genomic context (GRCh38, chr11:118,312,170, plus strand): 5'-ACCATGATATTTTCTTACTGCTGTTTCCTTTTTTCATTTTCAGGTGGTATTACACAGACA[C>T]GTGAGTTTATTGGTCTTTTATTTATGCCCTGTCTGAGGATGCAGATTGGTGGGTAGATGA-3'
Protein context (NP_000724.1, residues 25-45): NEEMGGITQT[Pro35Ser]YKVSISGTTV

ClinVar aggregate classification (germline): Benign/Likely benign. Review status: criteria provided, multiple submitters, no conflicts (2 of 4 stars). 6 submissions from 6 submitters: Benign (1); Likely benign (5). Last evaluated 2026-07-01.

Conditions:
Immunodeficiency 18 (IMD18). Also called: CD3-EPSILON DEFICIENCY; CD3epsilon deficiency. Identifiers: MedGen C3810127, MONDO:0014278, OMIM 615615.

Allele frequency attached by ClinVar (database versions not stated): 1000 Genomes Project 30x 0.00016; 1000 Genomes Project 0.00020; TOPMed 0.00130; ESP Exome Variant Server 0.00192; gnomAD exomes 0.00193 and 0.00274; ExAC 0.00244; gnomAD 0.00283 and 0.00295.
gnomAD v4.1: 3,206 of 1,611,270 alleles (0.2%); highest among the groups gnomAD compares: Non-Finnish European, 0.18%; 19 homozygotes.

Submissions (6):

CeGaT Center for Human Genetics Tuebingen
Classification: Likely benign. Last evaluated: 2026-07-01. Review status: criteria provided, single submitter. Criteria: CeGaT Center For Human Genetics Tuebingen Variant Classification Criteria Version 2. Collection method: clinical testing. Allele origin: germline. Affected: yes. Observed: 4 variant alleles.
Comment: CD3E: BP4

Women's Health and Genetics/Laboratory Corporation of America, LabCorp
Classification: Likely benign. Last evaluated: 2026-02-05. Review status: criteria provided, single submitter. Criteria: LabCorp Variant Classification Summary - May 2015. Collection method: clinical testing. Allele origin: germline.
Comment: Variant summary: CD3E c.103C>T (p.Pro35Ser) results in a non-conservative amino acid change in the encoded protein sequence. Algorithms developed to predict the effect of missense changes on protein structure and function are either unavailable or do not agree on the potential impact of this missense change. Consensus agreement among computation tools predict no significant impact on normal splicing. However, these predictions have yet to be confirmed by functional studies. The variant allele was found at a frequency of 0.0027 in 251422 control chromosomes in the gnomAD database, including 3 homozygotes. The observed variant frequency exceeds the estimated maximal expected allele frequency for disease-causing variants in CD3E. To our knowledge, no occurrence of c.103C>T in individuals affected with CD3E-related conditions and no experimental evidence demonstrating its impact on protein function have been reported. ClinVar contains an entry for this variant (Variation ID: 302661). Based on the evidence outlined above, the variant was classified as likely benign.

Labcorp Genetics (formerly Invitae), Labcorp
Classification: Benign for Immunodeficiency 18. Last evaluated: 2026-02-04. Review status: criteria provided, single submitter. Criteria: Invitae Variant Classification Sherloc (09022015). Collection method: clinical testing. Allele origin: germline.

Blueprint Genetics
Classification: Likely benign. Last evaluated: 2024-11-22. Review status: criteria provided, single submitter. Criteria: ACMG Guidelines, 2015. Collection method: clinical testing. Allele origin: germline.

Illumina Laboratory Services, Illumina
Classification: Likely benign for Immunodeficiency 18. Last evaluated: 2018-01-13. Review status: criteria provided, single submitter. Criteria: ICSL Variant Classification Criteria 13 December 2019. Collection method: clinical testing. Allele origin: germline.
Comment: This variant was observed in the ICSL laboratory as part of a predisposition screen in an ostensibly healthy population. It had not been previously curated by ICSL or reported in the Human Gene Mutation Database (HGMD: prior to June 1st, 2018), and was therefore a candidate for classification through an automated scoring system. Utilizing variant allele frequency, disease prevalence and penetrance estimates, and inheritance mode, an automated score was calculated to assess if this variant is too frequent to cause the disease. Based on the score and internal cut-off values, a variant classified as likely benign is not then subjected to further curation. The score for this variant resulted in a classification of likely benign for this disease.

Breakthrough Genomics
Classification: Likely benign. Review status: criteria provided, single submitter. Criteria: ACMG Guidelines, 2015. Collection method: not provided. Allele origin: germline. Inheritance: Autosomal recessive inheritance. Affected: yes.